The following is an entry in ClinVar:

NM_001009944.3(PKD1):c.73_74delinsT (p.Gly25fs)

Gene: PKD1 (polycystin 1, transient receptor potential channel interacting; minus strand). Cytogenetic location: 16p13.3.
Variant type: Indel.
Coding change: c.73_74delinsT on transcript NM_001009944.3 (MANE Select); coding-DNA positions 73 to 74, GG replaced by T.
Protein change: p.Gly25fs; shifts the reading frame from glycine 25.
Molecular consequence: frameshift variant.
Genome position (GRCh38, 1-based): chr16:2,135,616-2,135,617, CC replaced by A on the plus strand (GG replaced by T on the coding strand, the reverse complement: PKD1 is on the minus strand). VCF-style: chr16-2135616-CC-A. GRCh37 (hg19) VCF-style: chr16-2185617-CC-A.
Other names: c.73_74delinsT, p.Gly25fs (NM_000296.4); c.73_74delGGinsT, p.Gly25Serfs (NM_001009944.2); short protein forms G25fs.
Identifiers: ClinVar variation 3602954 (VCV003602954.2).

ClinVar aggregate classification (germline): Pathogenic (1 of 4 stars; one submission).

Submission:

GeneDx
Classification: Pathogenic. Last evaluated: 2026-02-17. Review status: criteria provided, single submitter. Criteria: GeneDx Variant Classification Process June 2021. Collection method: clinical testing. Allele origin: germline.
Comment: Frameshift variant predicted to result in protein truncation or nonsense mediated decay in a gene for which loss-of-function is a known mechanism of disease; Has not been previously published as pathogenic or benign to our knowledge; Not observed at significant frequency in large population cohorts (gnomAD)